The following is an entry in ClinVar:

ClinVar aggregate classification (germline): Uncertain significance (1 of 4 stars; one submission).

Submission:

Labcorp Genetics (formerly Invitae), Labcorp
Classification: Uncertain significance. Last evaluated: 2022-08-10. Review status: criteria provided, single submitter. Criteria: Invitae Variant Classification Sherloc (09022015). Collection method: clinical testing. Allele origin: germline.
Comment: In summary, the available evidence is currently insufficient to determine the role of this variant in disease. Therefore, it has been classified as a Variant of Uncertain Significance. Algorithms developed to predict the effect of missense changes on protein structure and function (SIFT, PolyPhen-2, Align-GVGD) all suggest that this variant is likely to be disruptive. This variant has not been reported in the literature in individuals affected with NAXE-related conditions. This variant is not present in population databases (gnomAD no frequency). This sequence change replaces proline, which is neutral and non-polar, with serine, which is neutral and polar, at codon 235 of the NAXE protein (p.Pro235Ser).

NM_144772.3(NAXE):c.703C>T (p.Pro235Ser)

Gene: NAXE (NAD(P)HX epimerase; plus strand). Cytogenetic location: 1q22.
Variant type: single nucleotide variant.
Coding change: c.703C>T on transcript NM_144772.3 (MANE Select); coding-DNA position 703, C replaced by T.
Protein change: p.Pro235Ser; replaces proline 235 with serine.
Molecular consequence: missense variant.
Genome position (GRCh38, 1-based): chr1:156,593,920, C>T. VCF-style: chr1-156593920-C-T. GRCh37 (hg19) VCF-style: chr1-156563712-C-T.
Other names: short protein forms P235S.
Identifiers: ClinVar variation 2001371 (VCV002001371.4), dbSNP rs2526052907, ClinGen allele CA342876673.